The following is an entry in ClinVar:

NM_005085.4(NUP214):c.5207C>T (p.Ala1736Val)

Gene: NUP214 (nucleoporin 214; plus strand). Cytogenetic location: 9q34.13.
Variant type: single nucleotide variant.
Coding change: c.5207C>T on transcript NM_005085.4 (MANE Select); coding-DNA position 5207, C replaced by T.
Protein change: p.Ala1736Val; replaces alanine 1736 with valine.
Molecular consequence: missense variant.
Genome position (GRCh38, 1-based): chr9:131,198,701, C>T. VCF-style: chr9-131198701-C-T. GRCh37 (hg19) VCF-style: chr9-134074088-C-T.
Other names: c.5177C>T, p.Ala1726Val (NM_001318324.2); c.1685C>T, p.Ala562Val (NM_001318325.2); c.5207C>T (NM_005085.2); short protein forms A1726V, A1736V, A562V.
Identifiers: ClinVar variation 3340887 (VCV003340887.2).

ClinVar aggregate classification (germline): Uncertain significance. Review status: criteria provided, multiple submitters, no conflicts (2 of 4 stars). 2 submissions from 2 submitters: Uncertain significance (2). Last evaluated 2025-08-25.

gnomAD v4.1: 273 of 1,614,186 alleles (0.017%); highest among the groups gnomAD compares: African/African-American, 0.32%; no homozygotes.

Submissions (2):

Ambry Genetics
Classification: Uncertain significance. Last evaluated: 2025-08-25. Review status: criteria provided, single submitter. Criteria: Ambry Variant Classification Scheme 2023. Collection method: clinical testing. Allele origin: germline.

GeneDx
Classification: Uncertain significance. Last evaluated: 2023-11-15. Review status: criteria provided, single submitter. Criteria: GeneDx Variant Classification Process June 2021. Collection method: clinical testing. Allele origin: germline. Affected: yes.
Comment: In silico analysis supports that this missense variant does not alter protein structure/function; In silico analysis suggests this variant may impact gene splicing. In the absence of RNA/functional studies, the actual effect of this sequence change is unknown.; Has not been previously published as pathogenic or benign to our knowledge